The following is an entry in ClinVar:

ClinVar aggregate classification (germline): Conflicting classifications of pathogenicity. Review status: criteria provided, conflicting classifications (1 of 4 stars). 9 submissions from 9 submitters: Uncertain significance (6); Likely benign (1). 2 of the submissions do not count toward it. Last evaluated 2025-05-14.

Conditions:
Cardiovascular phenotype. Identifiers: MedGen CN230736.
Alstrom syndrome (ALMS). Identifiers: Orphanet 64, MedGen C0268425, MONDO:0008763, OMIM 203800.

Allele frequency attached by ClinVar (database versions not stated): 1000 Genomes Project 30x 0.00016; 1000 Genomes Project 0.00020; gnomAD exomes 0.00022; TOPMed 0.00024; ExAC 0.00026; ESP Exome Variant Server 0.00077.
gnomAD v4.1: 620 of 1,614,168 alleles (0.038%); highest among the groups gnomAD compares: Non-Finnish European, 0.049%; no homozygotes.

Submissions (9):

Ambry Genetics
Classification: Likely benign for Cardiovascular phenotype. Last evaluated: 2025-05-14. Review status: criteria provided, single submitter. Criteria: Ambry Variant Classification Scheme 2023. Collection method: clinical testing. Allele origin: germline.

Women's Health and Genetics/Laboratory Corporation of America, LabCorp
Classification: Uncertain significance. Last evaluated: 2025-02-24. Review status: criteria provided, single submitter. Criteria: LabCorp Variant Classification Summary - May 2015. Collection method: clinical testing. Allele origin: germline.
Comment: Variant summary: ALMS1 c.12041G>A (p.Gly4014Asp) results in a non-conservative amino acid change in the encoded protein sequence. Two of four in-silico tools predict a benign effect of the variant on protein function. The variant allele was found at a frequency of 0.00022 in 250210 control chromosomes. This frequency is not significantly higher than estimated for a pathogenic variant in ALMS1 causing Alstrom Syndrome (0.00022 vs 0.0014), allowing no conclusion about variant significance. To our knowledge, no occurrence of c.12041G>A in individuals affected with Alstrom Syndrome and no experimental evidence demonstrating its impact on protein function have been reported. ClinVar contains an entry for this variant (Variation ID: 373262). Based on the evidence outlined above, the variant was classified as uncertain significance.

Blueprint Genetics
Classification: Uncertain significance. Last evaluated: 2024-10-30. Review status: criteria provided, single submitter. Criteria: ACMG Guidelines, 2015. Collection method: clinical testing. Allele origin: germline.

Labcorp Genetics (formerly Invitae), Labcorp
Classification: Uncertain significance for Alstrom syndrome. Last evaluated: 2022-08-22. Review status: criteria provided, single submitter. Criteria: Invitae Variant Classification Sherloc (09022015). Collection method: clinical testing. Allele origin: germline.
Comment: This sequence change replaces glycine, which is neutral and non-polar, with aspartic acid, which is acidic and polar, at codon 4016 of the ALMS1 protein (p.Gly4016Asp). This variant is present in population databases (rs200462734, gnomAD 0.04%). This variant has not been reported in the literature in individuals affected with ALMS1-related conditions. ClinVar contains an entry for this variant (Variation ID: 373262). Algorithms developed to predict the effect of sequence changes on RNA splicing suggest that this variant may create or strengthen a splice site. In summary, the available evidence is currently insufficient to determine the role of this variant in disease. Therefore, it has been classified as a Variant of Uncertain Significance.

Athena Diagnostics
Classification: Uncertain significance. Last evaluated: 2019-08-14. Review status: criteria provided, single submitter. Criteria: Athena Diagnostics Criteria. Collection method: clinical testing. Allele origin: germline.

GeneDx
Classification: Uncertain significance. Last evaluated: 2016-11-23. Review status: criteria provided, single submitter. Criteria: GeneDx Variant Classification (06012015). Collection method: clinical testing. Allele origin: germline. Affected: yes.
Comment: A variant of uncertain significance has been identified in the ALMS1 gene. The G4016D variant has not been published as a pathogenic variant, nor has it been reported as a benign variant to our knowledge. This variant was not observed with any significant frequency in approximately 6,500 individuals of European and African American ancestry in the NHLBI Exome Sequencing Project. This substitution occurs at a position that is not conserved across species. In silico analysis predicts this variant likely does not alter the protein structure/function. Nevertheless, the G4016D variant is a non-conservative amino acid substitution, which is likely to impact secondary protein structure as these residues differ in polarity, charge, size and/or other properties.

Breakthrough Genomics
Classification: Uncertain significance. Review status: criteria provided, single submitter. Criteria: ACMG Guidelines, 2015. Collection method: not provided. Allele origin: germline. Inheritance: Autosomal recessive inheritance. Affected: yes.

Natera, Inc.
Classification: Uncertain significance for Alstrom syndrome. Last evaluated: 2021-07-27. Review status: no assertion criteria provided. Collection method: clinical testing. Allele origin: germline. Not counted in ClinVar's aggregate classification.

Department of Pathology and Laboratory Medicine, Sinai Health System
Classification: Uncertain significance. Review status: no assertion criteria provided. Collection method: clinical testing. Allele origin: unknown. Affected: yes. Study: The Canadian Open Genetics Repository (COGR). Not counted in ClinVar's aggregate classification.
Comment: The ALMS1 p.Gly4014Asp variant was not identified in the literature but was identified in dbSNP (ID: rs200462734) and ClinVar (uncertain significance by GeneDx and Invitae). The variant was identified in control databases in 60 of 281608 chromosomes at a frequency of 0.0002131 (Genome Aggregation Database March 6, 2019, v2.1.1). The variant was observed in the following populations: European (non-Finnish) in 50 of 128624 chromosomes (freq: 0.000389), Other in 2 of 7164 chromosomes (freq: 0.000279), African in 2 of 24396 chromosomes (freq: 0.000082), European (Finnish) in 2 of 25106 chromosomes (freq: 0.00008), South Asian in 2 of 30616 chromosomes (freq: 0.000065) and Latino in 2 of 35430 chromosomes (freq: 0.000056), but was not observed in the Ashkenazi Jewish or East Asian populations. The p.Gly4014 residue is not conserved in mammals and four out of five computational analyses (PolyPhen-2, SIFT, AlignGVGD, BLOSUM, MutationTaster) do not suggest a high likelihood of impact to the protein; however, this information is not predictive enough to rule out pathogenicity. The variant occurs outside of the splicing consensus sequence and in silico or computational prediction software programs (SpliceSiteFinder, MaxEntScan, NNSPLICE, GeneSplicer) do not predict a difference in splicing. In summary, based on the above information the clinical significance of this variant cannot be determined with certainty at this time. This variant is classified as a variant of uncertain significance.

NM_001378454.1(ALMS1):c.12044G>A (p.Gly4015Asp)

Genes: ALMS1 (ALMS1 centrosome and basal body associated protein; plus strand), LOC126806252 (BRD4-independent group 4 enhancer GRCh37_chr2:73828496-73829695; plus strand). Cytogenetic location: 2p13.1.
Variant type: single nucleotide variant.
Coding change: c.12044G>A on transcript NM_001378454.1 (MANE Select); coding-DNA position 12044, G replaced by A.
Protein change: p.Gly4015Asp; replaces glycine 4015 with aspartic acid.
Molecular consequence: missense variant.
Genome position (GRCh38, 1-based): chr2:73,601,366, G>A. VCF-style: chr2-73601366-G-A. GRCh37 (hg19) VCF-style: chr2-73828493-G-A.
Other names: c.12047G>A, p.Gly4016Asp (NM_015120.4); short protein forms G4016D, G4015D.
Identifiers: ClinVar variation 373262 (VCV000373262.17), dbSNP rs200462734, ClinGen allele CA1715411.
Genomic context (GRCh38, chr2:73,601,366, plus strand): 5'-GACCCTGGAGGGAGCCACTGCGGGAGCAGAACTGTCAGGGGCAGCACCTGGACGGTCGGG[G>A]CTACCTGGCAGGCCCAGGCAGAGAGGCTGGCAGAGACCTACTGAGGCCATTTGTGAGAGC-3'
Protein context (NP_001365383.1, residues 4005-4025): NCQGQHLDGR[Gly4015Asp]YLAGPGREAG